The following is an entry in ClinVar:

NM_000535.7(PMS2):c.279A>G (p.Gln93=)

Gene: PMS2 (PMS1 homolog 2, mismatch repair system component; minus strand). Cytogenetic location: 7p22.1.
Variant type: single nucleotide variant.
Coding change: c.279A>G on transcript NM_000535.7 (MANE Select); coding-DNA position 279, A replaced by G.
Protein change: p.Gln93=; no amino-acid change (glutamine 93 retained).
Molecular consequence: synonymous variant. On other transcripts: 5 prime UTR variant (9), non-coding transcript variant (1), intron variant (2).
Genome position (GRCh38, 1-based): chr7:6,003,764, T>C on the plus strand (A>G on the coding strand, the complement: PMS2 is on the minus strand). VCF-style: chr7-6003764-T-C. GRCh37 (hg19) VCF-style: chr7-6043395-T-C.
Other names: c.-127A>G (NM_001322003.2, NM_001322004.2, NM_001322005.2 and 3 more transcripts); c.279A>G, p.Gln93= (NM_001322006.2, NM_001322014.2); c.-606A>G (NM_001322011.2, NM_001322012.2); c.-206A>G (NM_001322015.2); c.35+208A>G (NM_001322008.2, NM_001322007.2).
Identifiers: ClinVar variation 484258 (VCV000484258.14), dbSNP rs1554304728, ClinGen allele CA453647983.

ClinVar aggregate classification (germline): Benign/Likely benign. Review status: criteria provided, multiple submitters, no conflicts (2 of 4 stars). 3 submissions from 3 submitters: Benign (1); Likely benign (2). Last evaluated 2025-01-24.

Conditions:
Hereditary nonpolyposis colorectal neoplasms. Identifiers: MedGen C0009405, MeSH D003123.
Hereditary cancer-predisposing syndrome. Also called: Neoplastic Syndromes, Hereditary; Tumor predisposition; Hereditary Cancer Syndrome; Hereditary neoplastic syndrome. Identifiers: Orphanet 140162, MedGen C0027672, MeSH D009386, MONDO:0015356.
Lynch syndrome 4 (LYNCH4). Also called: Colorectal cancer, hereditary nonpolyposis, type 4; Hereditary non-polyposis colorectal cancer, type 4. Identifiers: Orphanet 144, MedGen C1838333, MONDO:0013699, OMIM 614337. Disease mechanism: loss of function.

Allele frequency attached by ClinVar (database versions not stated): gnomAD exomes below 0.00001.
gnomAD v4.1: 1 of 1,604,850 alleles (0.000062%); highest among the groups gnomAD compares: Non-Finnish European, 0.000085%; no homozygotes.

Submissions (3):

Myriad Genetics, Inc.
Classification: Benign for Lynch syndrome 4. Last evaluated: 2025-01-24. Review status: criteria provided, single submitter. Criteria: Myriad Autosomal Dominant, Autosomal Recessive and X-Linked Classification Criteria (2023). Collection method: clinical testing. Allele origin: unknown.
Comment: This variant is considered benign. This variant is a silent/synonymous amino acid change and it is not expected to impact splicing.

Labcorp Genetics (formerly Invitae), Labcorp
Classification: Likely benign for Hereditary nonpolyposis colorectal neoplasms. Last evaluated: 2023-02-04. Review status: criteria provided, single submitter. Criteria: Invitae Variant Classification Sherloc (09022015). Collection method: clinical testing. Allele origin: germline.

Ambry Genetics
Classification: Likely benign for Hereditary cancer-predisposing syndrome. Last evaluated: 2015-12-20. Review status: criteria provided, single submitter. Criteria: Ambry Variant Classification Scheme 2023. Collection method: clinical testing. Allele origin: germline.